The following is an entry in ClinVar:

ClinVar aggregate classification (germline): Conflicting classifications of pathogenicity. Review status: criteria provided, conflicting classifications (1 of 4 stars). 21 submissions from 21 submitters: Uncertain significance (1); Benign (5); Likely benign (9). 6 of the submissions do not count toward it. Last evaluated 2026-02-02.

Conditions:
CFTR-related disorder (CFTR-RD). Also called: CFTR-related disorders; CFTR-related condition. Identifiers: MedGen C5924204, MONDO:7770004.
Hereditary pancreatitis (PCTT). Also called: Hereditary chronic pancreatitis; PRSS1-Related Hereditary Pancreatitis. Identifiers: Orphanet 676, MedGen C0238339, MONDO:0008185, OMIM 167800.
Cystic fibrosis (CF). Also called: MUCOVISCIDOSIS. Identifiers: Orphanet 586, MedGen C0010674, MONDO:0009061, OMIM 219700. Disease mechanism: loss of function.

Allele frequency attached by ClinVar (database versions not stated): 1000 Genomes Project 0.00040; 1000 Genomes Project 30x 0.00047; ESP Exome Variant Server 0.00085; gnomAD 0.00097 and 0.00101; gnomAD exomes 0.00104 and 0.00163; ExAC 0.00114; TOPMed 0.00117.
gnomAD v4.1: 2,459 of 1,577,400 alleles (0.16%); highest among the groups gnomAD compares: Middle Eastern, 0.21%; 3 homozygotes.

Submissions (21):

Labcorp Genetics (formerly Invitae), Labcorp
Classification: Benign for Cystic fibrosis. Last evaluated: 2026-02-02. Review status: criteria provided, single submitter. Criteria: Invitae Variant Classification Sherloc (09022015). Collection method: clinical testing. Allele origin: germline.

CeGaT Center for Human Genetics Tuebingen
Classification: Likely benign. Last evaluated: 2025-12-01. Review status: criteria provided, single submitter. Criteria: CeGaT Center For Human Genetics Tuebingen Variant Classification Criteria Version 2. Collection method: clinical testing. Allele origin: germline. Affected: yes. Observed: 8 variant alleles.
Comment: CFTR: BP4, BP7

Mayo Clinic Laboratories, Mayo Clinic
Classification: Likely benign. Last evaluated: 2025-06-04. Review status: criteria provided, single submitter. Criteria: ACMG Guidelines, 2015. Collection method: clinical testing. Allele origin: germline. Observed: 13 variant alleles.
Comment: BP2, BP4, BP7

Blueprint Genetics
Classification: Likely benign. Last evaluated: 2024-11-25. Review status: criteria provided, single submitter. Criteria: ACMG Guidelines, 2015. Collection method: clinical testing. Allele origin: germline.

ARUP Laboratories, Molecular Genetics and Genomics, ARUP Laboratories
Classification: Benign. Last evaluated: 2024-10-10. Review status: criteria provided, single submitter. Criteria: ARUP Molecular Germline Variant Investigation Process 2024. Collection method: clinical testing. Allele origin: germline.

Ambry Genetics
Classification: Likely benign for Cystic fibrosis. Last evaluated: 2023-05-23. Review status: criteria provided, single submitter. Criteria: Ambry Variant Classification Scheme 2023. Collection method: clinical testing. Allele origin: germline.

Quest Diagnostics Nichols Institute San Juan Capistrano
Classification: Benign. Last evaluated: 2022-02-02. Review status: criteria provided, single submitter. Criteria: Quest Diagnostics criteria. Collection method: clinical testing. Allele origin: unknown.

Sema4
Classification: Likely benign for Hereditary pancreatitis. Last evaluated: 2021-04-21. Review status: criteria provided, single submitter. Criteria: Sema4 Curation Guidelines. Collection method: curation. Allele origin: germline.

Johns Hopkins Genomics, Johns Hopkins University
Classification: Likely benign for Cystic fibrosis. Last evaluated: 2019-07-06. Review status: criteria provided, single submitter. Criteria: ACMG Guidelines, 2015. Collection method: clinical testing. Allele origin: germline.

CFTR-France
Classification: Benign for cystic fibrosis. Last evaluated: 2018-01-29. Review status: criteria provided, single submitter. Criteria: Claustres M et al. (Hum Mutat 2017). Collection method: curation. Allele origin: germline. Affected: yes and no.
Comment: the variant does not result in CFTR-RD neither

Illumina Laboratory Services, Illumina
Classification: Uncertain significance for CFTR-Related Disorders. Last evaluated: 2017-04-27. Review status: criteria provided, single submitter. Criteria: ICSL Variant Classification Criteria 13 December 2019. Collection method: clinical testing. Allele origin: germline.
Comment: This variant was observed as part of a predisposition screen in an ostensibly healthy population. A literature search was performed for the gene, cDNA change, and amino acid change (where applicable). Publications were found based on this search. However, the evidence from the literature, in combination with allele frequency data from public databases where available, was not sufficient to rule this variant in or out of causing disease. Therefore, this variant is classified as a variant of unknown significance.

Eurofins Ntd Llc (ga)
Classification: Likely benign. Last evaluated: 2017-01-11. Review status: criteria provided, single submitter. Criteria: EGL Classification Definitions 2015. Collection method: clinical testing. Allele origin: germline. Observed: 10 variant alleles, 10 heterozygotes.

Women's Health and Genetics/Laboratory Corporation of America, LabCorp
Classification: Benign. Last evaluated: 2016-10-24. Review status: criteria provided, single submitter. Criteria: LabCorp Variant Classification Summary - May 2015. Collection method: clinical testing. Allele origin: germline.
Comment: Variant summary: The CFTR c.3897A>G (p.Thr1299Thr) variant involves the alteration of a non-conserved nucleotide, resulting in a synonymous change. One in silico tool predicts a damaging outcome for this variant. 5/5 splice prediction tools predict no significant impact on normal splicing. However, these predictions have yet to be confirmed by functional studies. This variant was found in 141/121634 control chromosomes (1 homozygote) at a frequency of 0.0011592, which does not exceed the estimated maximal expected allele frequency of a pathogenic CFTR variant (0.0129603), however the homozygous occurrence does suggest a benign role of the variant. In the literature, the variant is reported in both control and patient populations across multiple ethnicities. However, genotypic information of the patients carrying the variant is not clearly specified in publications, and most of them classify it as a 'polymorphism.' One LabCorp specimen carries F508del (DV) and c.1021T>C (DV) (phase of the variants unknown) and the clinical representation of the pt is reported to be CF. In addition, UMD classifies the variant as a polymorphism that is reported in 5 patients (CF or CBAVD), each carrying two other deleterious variants. Although phase of the two deleterious variants is not reported for every patient, UMD cites 2 CF patients that carry p.Lys710X in cis with p.Thr1299Thr. Thus, we have a unequivocal evidence of the presence of deleterious variant(s) in cis with this silent variant in CF patients, suggesting a notion that it is not causally related to these phenotypes and is likely to be a benign polymorphism. In addition, multiple clinical diagnostic laboratories/reputable databases classified this variant as likely benign. Taken together, this variant is classified as benign.

Laboratory for Molecular Medicine, Mass General Brigham Personalized Medicine
Classification: Likely benign. Last evaluated: 2013-02-21. Review status: criteria provided, single submitter. Criteria: LMM Criteria. Collection method: clinical testing. Allele origin: germline. Observed: 1 variant allele.
Comment: Thr1299Thr in exon 24 of CFTR: This variant is not expected to have clinical sig nificance because it does not alter an amino acid residue and is not located wit hin the splice consensus sequence. It has been identified in 0.1% (10/8600) of E uropean American chromosomes from a broad population by the NHLBI Exome Sequenci ng Project (dbSNP rs1800131).

PreventionGenetics, part of Exact Sciences
Classification: Likely benign. Review status: criteria provided, single submitter. Criteria: ACMG Guidelines, 2015. Collection method: clinical testing. Allele origin: germline.

Molecular Genetics Laboratory, BC Children's and BC Women's Hospitals
Classification: Likely benign for CFTR-related disorder. Last evaluated: 2021-03-29. Review status: no assertion criteria provided. Criteria: ACMG Guidelines, 2015. Collection method: clinical testing. Allele origin: germline. Affected: yes. Not counted in ClinVar's aggregate classification.

Natera, Inc.
Classification: Likely benign for CFTR-related disorders. Last evaluated: 2018-03-21. Review status: no assertion criteria provided. Collection method: clinical testing. Allele origin: germline. Not counted in ClinVar's aggregate classification.

Clinical Genetics DNA and cytogenetics Diagnostics Lab, Erasmus MC, Erasmus Medical Center
Classification: Likely benign. Review status: no assertion criteria provided. Collection method: clinical testing. Allele origin: germline. Affected: yes. Study: VKGL Data-share Consensus. Not counted in ClinVar's aggregate classification.

Diagnostic Laboratory, Department of Genetics, University Medical Center Groningen
Classification: Likely benign. Review status: no assertion criteria provided. Collection method: clinical testing. Allele origin: germline. Affected: yes. Study: VKGL Data-share Consensus. Not counted in ClinVar's aggregate classification.

Genome Diagnostics Laboratory, University Medical Center Utrecht
Classification: Likely benign. Review status: no assertion criteria provided. Collection method: clinical testing. Allele origin: germline. Affected: yes. Study: VKGL Data-share Consensus. Not counted in ClinVar's aggregate classification.

Joint Genome Diagnostic Labs from Nijmegen and Maastricht, Radboudumc and MUMC+
Classification: Likely benign. Review status: no assertion criteria provided. Collection method: clinical testing. Allele origin: germline. Affected: yes. Study: VKGL Data-share Consensus. Not counted in ClinVar's aggregate classification.

Literature cited by the submitters: PubMed 26911355 (cited by Illumina Laboratory Services, Illumina and Women's Health and Genetics/Laboratory Corporation of America, LabCorp); PubMed 26436105 (cited by Illumina Laboratory Services, Illumina); PubMed 18687795 (cited by Illumina Laboratory Services, Illumina and Women's Health and Genetics/Laboratory Corporation of America, LabCorp); PubMed 23378595 (cited by 3 submitters); PubMed 1379210 (cited by Eurofins Ntd Llc (ga) and Women's Health and Genetics/Laboratory Corporation of America, LabCorp); PubMed 23503723 (cited by Women's Health and Genetics/Laboratory Corporation of America, LabCorp); PubMed 10746558 (cited by Women's Health and Genetics/Laboratory Corporation of America, LabCorp); PubMed 23687349 (cited by Women's Health and Genetics/Laboratory Corporation of America, LabCorp); PubMed 16251901 (cited by Women's Health and Genetics/Laboratory Corporation of America, LabCorp); PubMed 17580535 (cited by Women's Health and Genetics/Laboratory Corporation of America, LabCorp); PubMed 17890437 (cited by Women's Health and Genetics/Laboratory Corporation of America, LabCorp); PubMed 11788091 (cited by Women's Health and Genetics/Laboratory Corporation of America, LabCorp); PubMed 9921909 (cited by Women's Health and Genetics/Laboratory Corporation of America, LabCorp); PubMed 10875853 (cited by Women's Health and Genetics/Laboratory Corporation of America, LabCorp); PubMed 15681482 (cited by Women's Health and Genetics/Laboratory Corporation of America, LabCorp); PubMed 7535742 (cited by Women's Health and Genetics/Laboratory Corporation of America, LabCorp); PubMed 15536480 (cited by Women's Health and Genetics/Laboratory Corporation of America, LabCorp).

NM_000492.4(CFTR):c.3897A>G (p.Thr1299=)

Gene: CFTR (CF transmembrane conductance regulator; plus strand). Cytogenetic location: 7q31.2.
Variant type: single nucleotide variant.
Coding change: c.3897A>G on transcript NM_000492.4 (MANE Select); coding-DNA position 3897, A replaced by G.
Protein change: p.Thr1299=; no amino-acid change (threonine 1299 retained).
Molecular consequence: synonymous variant.
Genome position (GRCh38, 1-based): chr7:117,652,865, A>G. VCF-style: chr7-117652865-A-G. GRCh37 (hg19) VCF-style: chr7-117292919-A-G.
Other names: p.Thr1299=.
Identifiers: ClinVar variation 93154 (VCV000093154.93), dbSNP rs1800131, ClinGen allele CA175546.